The following is an entry in ClinVar:

NM_004380.3(CREBBP):c.3393T>A (p.Asn1131Lys)

Gene: CREBBP (CREB binding protein; minus strand). Cytogenetic location: 16p13.3.
Variant type: single nucleotide variant.
Coding change: c.3393T>A on transcript NM_004380.3 (MANE Select); coding-DNA position 3393, T replaced by A.
Protein change: p.Asn1131Lys; replaces asparagine 1131 with lysine.
Molecular consequence: missense variant.
Genome position (GRCh38, 1-based): chr16:3,758,025, A>T on the plus strand (T>A on the coding strand, the complement: CREBBP is on the minus strand). VCF-style: chr16-3758025-A-T. GRCh37 (hg19) VCF-style: chr16-3808026-A-T.
Other names: c.3279T>A, p.Asn1093Lys (NM_001079846.1); short protein forms N1131K, N1093K.
Identifiers: ClinVar variation 430098 (VCV000430098.2), dbSNP rs1131691779, ClinGen allele CA394569104.

ClinVar aggregate classification (germline): Uncertain significance (1 of 4 stars; one submission).

Allele frequency attached by ClinVar (database versions not stated): gnomAD exomes below 0.00001.
gnomAD v4.1: 2 of 1,612,096 alleles (0.00012%); highest among the groups gnomAD compares: Non-Finnish European, 0.00017%; no homozygotes.

Submission:

GeneDx
Classification: Uncertain significance. Last evaluated: 2017-05-18. Review status: criteria provided, single submitter. Criteria: GeneDx Variant Classification (06012015). Collection method: clinical testing. Allele origin: germline. Affected: yes.
Comment: The N1131K variant in the CREBBP gene has not been reported previously as a pathogenic variant, nor as a benign variant, to our knowledge. The N1131K variant is not observed in large population cohorts (Lek et al., 2016; 1000 Genomes Consortium et al., 2015; Exome Variant Server). The N1131K variant is a semi-conservative amino acid substitution, which may impact secondary protein structure as these residues differ in some properties. This substitution occurs at a position where amino acids with similar properties to Asparagine are tolerated across species. In silico analysis predicts this variant is probably damaging to the protein structure/function. We interpret N1131K as a variant of uncertain significance.